The following is an entry in ClinVar:

NM_138387.4(G6PC3):c.378G>A (p.Met126Ile)

Gene: G6PC3 (glucose-6-phosphatase catalytic subunit 3; plus strand). Cytogenetic location: 17q21.31.
Variant type: single nucleotide variant.
Coding change: c.378G>A on transcript NM_138387.4 (MANE Select); coding-DNA position 378, G replaced by A.
Protein change: p.Met126Ile; replaces methionine 126 with isoleucine.
Molecular consequence: missense variant.
Genome position (GRCh38, 1-based): chr17:44,074,732, G>A. VCF-style: chr17-44074732-G-A. GRCh37 (hg19) VCF-style: chr17-42152100-G-A.
Other names: c.378G>A, p.Met126Ile (NM_001319945.2); c.33G>A, p.Met11Ile (NM_001384165.1, NM_001384166.1, NM_001384167.1 and 1 more transcripts); short protein forms M11I, M126I.
Identifiers: ClinVar variation 3852361 (VCV003852361.1).
Genomic context (GRCh38, chr17:44,074,732, plus strand): 5'-GCTGGCAGGCAGCCCTTCTGGACACTGCATGATCACAGGAGCAGCCCTCTGGCCCATAAT[G>A]ACGGCCCTGTCTTCGCAGGTGGCCACTCGGGCCCGCAGGTATACCCTTGGCATTGCCCAC-3'
Protein context (NP_612396.1, residues 116-136): MITGAALWPI[Met126Ile]TALSSQVATR

ClinVar aggregate classification (germline): Uncertain significance (1 of 4 stars; one submission).

Conditions:
Inborn genetic diseases. Identifiers: MedGen C0950123, MeSH D030342.

Submission:

Ambry Genetics
Classification: Uncertain significance for Inborn genetic diseases. Last evaluated: 2025-02-05. Review status: criteria provided, single submitter. Criteria: Ambry Variant Classification Scheme 2023. Collection method: clinical testing. Allele origin: germline.
Comment: The p.M126I variant (also known as c.378G>A), located in coding exon 3 of the G6PC3 gene, results from a G to A substitution at nucleotide position 378. The methionine at codon 126 is replaced by isoleucine, an amino acid with highly similar properties. This amino acid position is conserved. In addition, this alteration is predicted to be tolerated by in silico analysis. Based on the available evidence, the clinical significance of this variant remains unclear.